The following is an entry in ClinVar:

NM_000179.3(MSH6):c.2870_2872delinsGAA (p.Lys957_Gln958delinsArgLys)

Gene: MSH6 (mutS homolog 6; plus strand). Cytogenetic location: 2p16.3.
Variant type: Indel.
Coding change: c.2870_2872delinsGAA on transcript NM_000179.3 (MANE Select); coding-DNA positions 2870 to 2872, AAC replaced by GAA.
Protein change: p.Lys957_Gln958delinsArgLys.
Molecular consequence: missense variant.
Genome position (GRCh38, 1-based): chr2:47,800,853-47,800,855, AAC replaced by GAA. VCF-style: chr2-47800853-AAC-GAA. GRCh37 (hg19) VCF-style: chr2-48027992-AAC-GAA.
Other names: c.2480_2482delinsGAA, p.Lys827_Gln828delinsArgLys (NM_001281492.2); c.1964_1966delinsGAA, p.Lys655_Gln656delinsArgLys (NM_001281493.2, NM_001281494.2).
Identifiers: ClinVar variation 924215 (VCV000924215.5), dbSNP rs1669521356, ClinGen allele CA1139655910.

ClinVar aggregate classification (germline): Uncertain significance (1 of 4 stars; one submission).

Conditions:
Hereditary cancer-predisposing syndrome. Also called: Neoplastic Syndromes, Hereditary; Tumor predisposition; Hereditary Cancer Syndrome; Hereditary neoplastic syndrome. Identifiers: Orphanet 140162, MedGen C0027672, MeSH D009386, MONDO:0015356.

Submission:

Color Diagnostics, LLC DBA Color Health
Classification: Uncertain significance for Hereditary cancer-predisposing syndrome. Last evaluated: 2023-12-05. Review status: criteria provided, single submitter. Criteria: ACMG Guidelines, 2015. Collection method: clinical testing. Allele origin: germline.
Comment: This variant causes an in-frame deletion of lysine and glutamine and insertion of arginine and lysine at codon 957 and 958 of the MSH6 protein. Splice site prediction tools suggest that this variant may not impact RNA splicing. To our knowledge, functional studies have not been performed for this variant. This variant has not been reported in individuals affected with hereditary cancer in the literature. This variant has not been identified in the general population by the Genome Aggregation Database (gnomAD). The available evidence is insufficient to determine the role of this variant in disease conclusively. Therefore, this variant is classified as a Variant of Uncertain Significance.